The following is an entry in ClinVar:

NM_001039876.3(SYNE4):c.616C>T (p.Leu206=)

Gene: SYNE4 (spectrin repeat containing nuclear envelope family member 4; minus strand). Cytogenetic location: 19q13.12.
Variant type: single nucleotide variant.
Coding change: c.616C>T on transcript NM_001039876.3 (MANE Select); coding-DNA position 616, C replaced by T.
Protein change: p.Leu206=; no amino-acid change (leucine 206 retained).
Molecular consequence: synonymous variant. On other transcripts: intron variant (1).
Genome position (GRCh38, 1-based): chr19:36,006,752, G>A on the plus strand (C>T on the coding strand, the complement: SYNE4 is on the minus strand). VCF-style: chr19-36006752-G-A. GRCh37 (hg19) VCF-style: chr19-36497654-G-A.
Other names: c.280-81C>T (NM_001297735.3).
Identifiers: ClinVar variation 229284 (VCV000229284.11), dbSNP rs771897813, ClinGen allele CA9393896.

ClinVar aggregate classification (germline): Conflicting classifications of pathogenicity. Review status: criteria provided, conflicting classifications (1 of 4 stars). 2 submissions from 2 submitters: Uncertain significance (1); Likely benign (1). Last evaluated 2025-12-28.

Allele frequency attached by ClinVar (database versions not stated): ExAC 0.00002; gnomAD 0.00002 and 0.00003; gnomAD exomes 0.00002 and 0.00003; TOPMed 0.00003.

Submissions (2):

Labcorp Genetics (formerly Invitae), Labcorp
Classification: Likely benign. Last evaluated: 2025-12-28. Review status: criteria provided, single submitter. Criteria: Invitae Variant Classification Sherloc (09022015). Collection method: clinical testing. Allele origin: germline.

Laboratory for Molecular Medicine, Mass General Brigham Personalized Medicine
Classification: Uncertain significance. Last evaluated: 2015-09-08. Review status: criteria provided, single submitter. Criteria: LMM Criteria. Collection method: clinical testing. Allele origin: germline. Observed: 1 variant allele.
Comment: The p.Leu206Leu variant in the SYNE3 gene has not been identified in individuals with hearing loss, but has been identified in 2/59604 European chromosomes by t he Exome Aggregation Consortium (ExAC). Although this variant has been seen in the general population, its frequency is not high enough to rule out a pathogenic role. This variant is located in the last three bases of the exon, which is part of the 5' splice region. Computational tools d o not suggest an impact to splicing. However, this information is not predictive enough to rule out pathogenicity. In summary, the clinical significance of the p.Leu206Leu variant is uncertain.